The following is an entry in ClinVar:

ClinVar aggregate classification (germline): Uncertain significance (1 of 4 stars; one submission).

Conditions:
Bethlem myopathy 1A. Also called: MYOPATHY, BENIGN CONGENITAL, WITH CONTRACTURES; Bethlem Muscular Dystrophy; Bethlem myopathy 1. Identifiers: Orphanet 610, MedGen CN029274, MONDO:0024530, OMIM 158810.

Submission:

Labcorp Genetics (formerly Invitae), Labcorp
Classification: Uncertain significance for Bethlem myopathy 1A. Last evaluated: 2020-08-14. Review status: criteria provided, single submitter. Criteria: Invitae Variant Classification Sherloc (09022015). Collection method: clinical testing. Allele origin: germline.
Comment: This sequence change replaces serine with tryptophan at codon 685 of the COL6A2 protein (p.Ser685Trp). The serine residue is highly conserved and there is a large physicochemical difference between serine and tryptophan. This variant is not present in population databases (ExAC no frequency). This variant has not been reported in the literature in individuals with COL6A2-related conditions. Algorithms developed to predict the effect of missense changes on protein structure and function (SIFT, PolyPhen-2, Align-GVGD) all suggest that this variant is likely to be disruptive, but these predictions have not been confirmed by published functional studies and their clinical significance is uncertain. In summary, the available evidence is currently insufficient to determine the role of this variant in disease. Therefore, it has been classified as a Variant of Uncertain Significance.

NM_001849.4(COL6A2):c.2054C>G (p.Ser685Trp)

Gene: COL6A2 (collagen type VI alpha 2 chain; plus strand). Cytogenetic location: 21q22.3.
Variant type: single nucleotide variant.
Coding change: c.2054C>G on transcript NM_001849.4 (MANE Select); coding-DNA position 2054, C replaced by G.
Protein change: p.Ser685Trp; replaces serine 685 with tryptophan.
Molecular consequence: missense variant.
Genome position (GRCh38, 1-based): chr21:46,125,869, C>G. VCF-style: chr21-46125869-C-G. GRCh37 (hg19) VCF-style: chr21-47545783-C-G.
Other names: c.2054C>G, p.Ser685Trp (NM_058174.3, NM_058175.3); short protein forms S685W.
Identifiers: ClinVar variation 842860 (VCV000842860.10), dbSNP rs564873527, ClinGen allele CA410541347.